The following is an entry in ClinVar:

ClinVar aggregate classification (germline): Uncertain significance (1 of 4 stars; one submission).

Conditions:
Bardet-Biedl syndrome (BBS). Identifiers: Orphanet 110, MedGen C0752166, MONDO:0015229.

Submission:

Labcorp Genetics (formerly Invitae), Labcorp
Classification: Uncertain significance for Bardet-Biedl syndrome. Last evaluated: 2017-10-31. Review status: criteria provided, single submitter. Criteria: Invitae Variant Classification Sherloc (09022015). Collection method: clinical testing. Allele origin: germline.
Comment: In summary, the available evidence is currently insufficient to determine the role of this variant in disease. Therefore, it has been classified as a Variant of Uncertain Significance. Experimental studies are not available for this copy number variant and the functional significance of the deleted exons is currently unknown. This deletion has not been reported in the literature in individuals with WDPCP-related disease. This variant is an in-frame deletion of the genomic region encompassing exons 2-6 of the WDPCP gene. It preserves the integrity of the reading frame.

NC_000002.12:g.(?_63484584)_(63492960_?)del

Gene: WDPCP (WD repeat containing planar cell polarity effector; minus strand). Cytogenetic location: 2p15.
Variant type: Deletion.
Identifiers: ClinVar variation 531845 (VCV000531845.3).